The following is an entry in ClinVar:

ClinVar aggregate classification (germline): Uncertain significance (1 of 4 stars; one submission).

Conditions:
PLXNA2-related disorder. Also called: PLXNA2-related condition.

gnomAD v4.1: 46 of 1,614,130 alleles (0.0028%); highest among the groups gnomAD compares: Non-Finnish European, 0.0038%; no homozygotes.

Submission:

PreventionGenetics, part of Exact Sciences
Classification: Uncertain significance for PLXNA2-related condition. Last evaluated: 2025-12-24. Review status: criteria provided, single submitter. Criteria: ACMG Guidelines, 2015. Collection method: clinical testing. Allele origin: germline.
Comment: The PLXNA2 c.2785C>T variant is predicted to result in the amino acid substitution p.Pro929Ser. To our knowledge, this variant has not been reported in the literature. This variant is reported in 0.0065% of alleles in individuals of European (Non-Finnish) descent in gnomAD. At this time, the clinical significance of this variant is uncertain due to the absence of conclusive functional and genetic evidence.

NM_025179.4(PLXNA2):c.2785C>T (p.Pro929Ser)

Gene: PLXNA2 (plexin A2; minus strand). Cytogenetic location: 1q32.2.
Variant type: single nucleotide variant.
Coding change: c.2785C>T on transcript NM_025179.4 (MANE Select); coding-DNA position 2785, C replaced by T.
Protein change: p.Pro929Ser; replaces proline 929 with serine.
Molecular consequence: missense variant.
Genome position (GRCh38, 1-based): chr1:208,054,492, G>A on the plus strand (C>T on the coding strand, the complement: PLXNA2 is on the minus strand). VCF-style: chr1-208054492-G-A. GRCh37 (hg19) VCF-style: chr1-208227837-G-A.
Other names: short protein forms P929S.
Identifiers: ClinVar variation 4987196 (VCV004987196.1).